The following is an entry in ClinVar:

NM_005732.4(RAD50):c.2537T>C (p.Ile846Thr)

Gene: RAD50 (RAD50 double strand break repair protein; plus strand). Cytogenetic location: 5q31.1.
Variant type: single nucleotide variant.
Coding change: c.2537T>C on transcript NM_005732.4 (MANE Select); coding-DNA position 2537, T replaced by C.
Protein change: p.Ile846Thr; replaces isoleucine 846 with threonine.
Molecular consequence: missense variant.
Genome position (GRCh38, 1-based): chr5:132,604,818, T>C. VCF-style: chr5-132604818-T-C. GRCh37 (hg19) VCF-style: chr5-131940510-T-C.
Other names: short protein forms I846T.
Identifiers: ClinVar variation 233872 (VCV000233872.15), dbSNP rs876660699, ClinGen allele CA10578568.

ClinVar aggregate classification (germline): Uncertain significance. Review status: criteria provided, multiple submitters, no conflicts (2 of 4 stars). 2 submissions from 2 submitters: Uncertain significance (2). Last evaluated 2025-06-16.

Conditions:
Hereditary cancer-predisposing syndrome. Also called: Neoplastic Syndromes, Hereditary; Tumor predisposition; Hereditary Cancer Syndrome; Hereditary neoplastic syndrome. Identifiers: Orphanet 140162, MedGen C0027672, MeSH D009386, MONDO:0015356.

Allele frequency attached by ClinVar (database versions not stated): gnomAD exomes below 0.00001; TOPMed below 0.00001.
gnomAD v4.1: 2 of 1,610,292 alleles (0.00012%); highest among the groups gnomAD compares: Non-Finnish European, 0.00017%; no homozygotes.

Submissions (2):

Labcorp Genetics (formerly Invitae), Labcorp
Classification: Uncertain significance for Hereditary cancer-predisposing syndrome. Last evaluated: 2025-06-16. Review status: criteria provided, single submitter. Criteria: Invitae Variant Classification Sherloc (09022015). Collection method: clinical testing. Allele origin: germline.
Comment: This sequence change replaces isoleucine, which is neutral and non-polar, with threonine, which is neutral and polar, at codon 846 of the RAD50 protein (p.Ile846Thr). This variant is not present in population databases (gnomAD no frequency). This variant has not been reported in the literature in individuals affected with RAD50-related conditions. ClinVar contains an entry for this variant (Variation ID: 233872). Invitae Evidence Modeling of protein sequence and biophysical properties (such as structural, functional, and spatial information, amino acid conservation, physicochemical variation, residue mobility, and thermodynamic stability) has been performed for this missense variant. However, the output from this modeling did not meet the statistical confidence thresholds required to predict the impact of this variant on RAD50 protein function. In summary, the available evidence is currently insufficient to determine the role of this variant in disease. Therefore, it has been classified as a Variant of Uncertain Significance.

Ambry Genetics
Classification: Uncertain significance for Hereditary cancer-predisposing syndrome. Last evaluated: 2015-09-15. Review status: criteria provided, single submitter. Criteria: Ambry Variant Classification Scheme 2023. Collection method: clinical testing. Allele origin: germline.
Comment: The p.I846T variant (also known as c.2537T>C), located in coding exon 16 of the RAD50 gene, results from a T to C substitution at nucleotide position 2537. The isoleucine at codon 846 is replaced by threonine, an amino acid with similar properties. This variant was not reported in population based cohorts in the following databases: Database of Single Nucleotide Polymorphisms (dbSNP), NHLBI Exome Sequencing Project (ESP), and 1000 Genomes Project. In the ESP, this variant was not observed in 6503 samples (13006 alleles) with coverage at this position. To date, this alteration has been detected with an allele frequency of approximately 0.002% (greater than 65000 alleles tested) in our clinical cohort. This amino acid position is not well conserved in available vertebrate species. In addition, the in silico prediction for this alteration is inconclusive. Since supporting evidence is limited at this time, the clinical significance of p.I846T remains unclear.